The following is an entry in ClinVar:

NM_001172509.2(SATB2):c.958C>T (p.Gln320Ter)

Gene: SATB2 (SATB homeobox 2; minus strand). Cytogenetic location: 2q33.1.
Variant type: single nucleotide variant.
Coding change: c.958C>T on transcript NM_001172509.2 (MANE Select); coding-DNA position 958, C replaced by T.
Protein change: p.Gln320Ter; replaces glutamine 320 with a stop codon.
Molecular consequence: nonsense.
Genome position (GRCh38, 1-based): chr2:199,348,916, G>A on the plus strand (C>T on the coding strand, the complement: SATB2 is on the minus strand). VCF-style: chr2-199348916-G-A. GRCh37 (hg19) VCF-style: chr2-200213639-G-A.
Other names: c.958C>T, p.Gln320Ter (NM_001172517.1, NM_015265.4); short protein forms Q320*.
Identifiers: ClinVar variation 3344136 (VCV003344136.1).

ClinVar aggregate classification (germline): Likely pathogenic (0 of 4 stars; one submission).

Conditions:
SATB2-related disorder. Also called: SATB2-related condition.

Submission:

PreventionGenetics, part of Exact Sciences
Classification: Likely pathogenic for SATB2-related condition. Last evaluated: 2024-05-23. Review status: no assertion criteria provided. Collection method: clinical testing. Allele origin: germline.
Comment: The SATB2 c.958C>T variant is predicted to result in premature protein termination (p.Gln320*). To our knowledge, this variant has not been reported in the literature or in a large population database, indicating this variant is rare. Nonsense variants in SATB2 are expected to be pathogenic. This variant is interpreted as likely pathogenic.